The following is an entry in ClinVar:

NM_170707.4(LMNA):c.617T>C (p.Phe206Ser)

Gene: LMNA (lamin A/C; plus strand). Cytogenetic location: 1q22.
Variant type: single nucleotide variant.
Coding change: c.617T>C on transcript NM_170707.4 (MANE Select); coding-DNA position 617, T replaced by C.
Protein change: p.Phe206Ser; replaces phenylalanine 206 with serine.
Molecular consequence: missense variant.
Genome position (GRCh38, 1-based): chr1:156,134,506, T>C. VCF-style: chr1-156134506-T-C. GRCh37 (hg19) VCF-style: chr1-156104297-T-C.
Other names: c.281T>C, p.Phe94Ser (NM_001257374.3, NM_001406989.1, NM_001406998.1); c.374T>C, p.Phe125Ser (NM_001282624.2, NM_001406986.1, NM_001406987.1); c.617T>C, p.Phe206Ser (NM_001282625.2, NM_001282626.2, NM_001406983.1 and 6 more transcripts); c.320T>C, p.Phe107Ser (NM_001406988.1); c.59T>C, p.Phe20Ser (NM_001406990.1, NM_001406993.1, NM_001406995.1 and 4 more transcripts); c.-48T>C (NM_001406994.1, NM_001406999.1, NM_001407000.1 and 1 more transcripts); short protein forms F107S, F125S, F206S, F20S, F94S.
Identifiers: ClinVar variation 2433467 (VCV002433467.6), dbSNP rs2527968384, ClinGen allele CA342817048.

ClinVar aggregate classification (germline): Conflicting classifications of pathogenicity. Review status: criteria provided, conflicting classifications (1 of 4 stars). 2 submissions from 2 submitters: Likely pathogenic (1); Uncertain significance (1). Last evaluated 2024-02-16.

Conditions:
Charcot-Marie-Tooth disease type 2. Also called: Charcot-Marie-Tooth type 2. Identifiers: Orphanet 64746, MedGen C0270914, MONDO:0018993.

Submissions (2):

Labcorp Genetics (formerly Invitae), Labcorp
Classification: Likely pathogenic for Charcot-Marie-Tooth disease type 2. Last evaluated: 2024-02-16. Review status: criteria provided, single submitter. Criteria: Invitae Variant Classification Sherloc (09022015). Collection method: clinical testing. Allele origin: germline.
Comment: This sequence change replaces phenylalanine, which is neutral and non-polar, with serine, which is neutral and polar, at codon 206 of the LMNA protein (p.Phe206Ser). This variant is not present in population databases (gnomAD no frequency). This variant has not been reported in the literature in individuals affected with LMNA-related conditions. ClinVar contains an entry for this variant (Variation ID: 2433467). Advanced modeling of protein sequence and biophysical properties (such as structural, functional, and spatial information, amino acid conservation, physicochemical variation, residue mobility, and thermodynamic stability) performed at Invitae indicates that this missense variant is expected to disrupt LMNA protein function with a positive predictive value of 95%. This variant disrupts the p.Phe206 amino acid residue in LMNA. Other variant(s) that disrupt this residue have been determined to be pathogenic (PMID: 20848652). This suggests that this residue is clinically significant, and that variants that disrupt this residue are likely to be disease-causing. In summary, the currently available evidence indicates that the variant is pathogenic, but additional data are needed to prove that conclusively. Therefore, this variant has been classified as Likely Pathogenic.

Revvity Omics, Revvity
Classification: Uncertain significance. Last evaluated: 2019-03-03. Review status: criteria provided, single submitter. Criteria: ACMG Guidelines, 2015. Collection method: clinical testing. Allele origin: germline.

Literature cited by the submitters: PubMed 20848652 (cited by Labcorp Genetics (formerly Invitae), Labcorp).